The following is an entry in ClinVar:

NM_015275.3(WASHC4):c.669A>G (p.Leu223=)

Gene: WASHC4 (WASH complex subunit 4; plus strand). Cytogenetic location: 12q23.3.
Variant type: single nucleotide variant.
Coding change: c.669A>G on transcript NM_015275.3 (MANE Select); coding-DNA position 669, A replaced by G.
Protein change: p.Leu223=; no amino-acid change (leucine 223 retained).
Molecular consequence: synonymous variant.
Genome position (GRCh38, 1-based): chr12:105,122,121, A>G. VCF-style: chr12-105122121-A-G. GRCh37 (hg19) VCF-style: chr12-105515899-A-G.
Other names: c.669A>G, p.Leu223= (NM_001293640.2).
Identifiers: ClinVar variation 2643255 (VCV002643255.24), dbSNP rs2502521218, ClinGen allele CA481624327.

ClinVar aggregate classification (germline): Likely benign (1 of 4 stars; one submission).

Allele frequency attached by ClinVar (database versions not stated): gnomAD exomes below 0.00001.
gnomAD v4.1: 5 of 1,593,734 alleles (0.00031%); highest among the groups gnomAD compares: Non-Finnish European, 0.00043%; no homozygotes.

Submission:

CeGaT Center for Human Genetics Tuebingen
Classification: Likely benign. Last evaluated: 2023-04-01. Review status: criteria provided, single submitter. Criteria: CeGaT Center For Human Genetics Tuebingen Variant Classification Criteria Version 2. Collection method: clinical testing. Allele origin: germline. Affected: yes. Observed: 1 variant allele.
Comment: WASHC4: PM2:Supporting, BP4, BP7